The following is an entry in ClinVar:

ClinVar aggregate classification (germline): Pathogenic. Review status: criteria provided, multiple submitters, no conflicts (2 of 4 stars). 15 submissions from 15 submitters: Pathogenic (13). 2 of the submissions do not count toward it. Last evaluated 2026-01-26.

Conditions:
NPHS2-related disorder. Also called: NPHS2-related condition.
Nephrotic syndrome, type 2 (NPHS2). Also called: NEPHROTIC SYNDROME, STEROID-RESISTANT, AUTOSOMAL RECESSIVE. Identifiers: Orphanet 656, MedGen C1868672, MONDO:0010974, OMIM 600995.
Steroid-resistant nephrotic syndrome. Identifiers: MedGen C0403397, MONDO:0044765, HP:0012588.

Allele frequency attached by ClinVar (database versions not stated): TOPMed 0.00009; ExAC 0.00002; gnomAD 0.00009 and 0.00011; gnomAD exomes 0.00002.
gnomAD v4.1: 25 of 1,613,960 alleles (0.0015%); highest among the groups gnomAD compares: African/African-American, 0.027%; no homozygotes.

Submissions (15):

Labcorp Genetics (formerly Invitae), Labcorp
Classification: Pathogenic. Last evaluated: 2026-01-26. Review status: criteria provided, single submitter. Criteria: Invitae Variant Classification Sherloc (09022015). Collection method: clinical testing. Allele origin: germline.
Comment: This sequence change replaces valine, which is neutral and non-polar, with glutamic acid, which is acidic and polar, at codon 260 of the NPHS2 protein (p.Val260Glu). This variant is present in population databases (rs775006954, gnomAD 0.03%). This missense change has been observed in individual(s) with nephrotic syndrome (PMID: 15253708, 28658201). In at least one individual the data is consistent with being in trans (on the opposite chromosome) from a pathogenic variant. ClinVar contains an entry for this variant (Variation ID: 447882). Invitae Evidence Modeling of protein sequence and biophysical properties (such as structural, functional, and spatial information, amino acid conservation, physicochemical variation, residue mobility, and thermodynamic stability) indicates that this missense variant is expected to disrupt NPHS2 protein function with a positive predictive value of 95%. Experimental studies have shown that this missense change affects NPHS2 function (PMID: 14675423). For these reasons, this variant has been classified as Pathogenic.

Natera, Inc.
Classification: Pathogenic for Steroid-resistant nephrotic syndrome. Last evaluated: 2026-01-15. Review status: criteria provided, single submitter. Criteria: Natera Variant Classification Schema (03/2026). Collection method: clinical testing. Allele origin: germline.
Comment: The c.779T>A variant in NPHS2 is a missense variant predicted to cause substitution of valine to glutamic acid at amino acid 260. This variant is rare in the general population with a frequency below the threshold expected for the associated phenotype(s). This variant has been observed in one or more individuals affected with the associated recessive disease, as either homozygous or compound heterozygous with a second variant (PMID: 31754646, 28658201, 26420286). Additionally, this variant has been observed to segregate in affected family members (PMID: 31754646, 26420286). Computational prediction algorithms indicate this variant is likely to affect gene or protein function. Given the available evidence, this variant is classified as Pathogenic.

Genomic Medicine Center of Excellence, King Faisal Specialist Hospital and Research Centre
Classification: Pathogenic for Nephrotic syndrome, type 2. Last evaluated: 2025-09-10. Review status: criteria provided, single submitter. Criteria: ACMG Guidelines, 2015. Collection method: clinical testing. Allele origin: germline.

3billion
Classification: Pathogenic for Nephrotic syndrome, type 2. Last evaluated: 2025-09-04. Review status: criteria provided, single submitter. Criteria: ACMG Guidelines, 2015. Collection method: clinical testing. Allele origin: germline. Affected: yes.
Comment: The variant is observed at an extremely low frequency in the gnomAD v4.1.0 dataset (total allele frequency: 0.002%). Predicted Consequence/Location: Missense variant In silico tool predictions suggest damaging effect of the variant on gene or gene product [REVEL: 0.95 (>=0.6, sensitivity 0.68 and specificity 0.92); 3Cnet: 0.92 (> 0.75, sensitivity 0.96 and precision 0.92)]. The same nucleotide change resulting in the same amino acid change has been previously reported as pathogenic/likely pathogenic with strong evidence (ClinVar ID: VCV000447882 /PMID: 15253708 /3billion dataset). The variant has been reported to be in trans with a pathogenic variant as either compound heterozygous or homozygous in at least 2 similarly affected unrelated individuals (PMID: 26420286, 28658201). The variant has been reported to co-segregate with the disease in at least one similarly affected relative/individual in the same family or similarly affected unrelated families (3billion dataset). Therefore, this variant is classified as Pathogenic according to the recommendation of ACMG/AMP guideline.

Department of Genetics, Sultan Qaboos University Hospital
Classification: Pathogenic for Nephrotic syndrome, type 2. Last evaluated: 2024-06-12. Review status: criteria provided, single submitter. Criteria: ACMG Guidelines, 2015. Collection method: curation. Allele origin: unknown. Affected: yes.

Genetic Services Laboratory, University of Chicago
Classification: Pathogenic. Last evaluated: 2024-05-23. Review status: criteria provided, single submitter. Criteria: ACMG Guidelines, 2015. Collection method: clinical testing. Allele origin: germline. Affected: yes.
Comment: DNA sequence analysis of the NPHS2 gene demonstrated a sequence change, c.779T>A, in exon 6 that results in an amino acid change, p.Val260Glu. The p.Val260Glu change affects a highly conserved amino acid residue located in a domain of the NPHS2 protein that is known to be functional. The p.Val260Glu substitution appears to be deleterious using several in-silico pathogenicity prediction tools (SIFT, PolyPhen2, Align GVGD, REVEL). This pathogenic sequence change has previously been described in the bi-allelic state in individuals with NPHS2-related disorders (PMID: 15253708, 28658201). Functional studies indicate that this sequence change impacts NPHS2 function (PMID: 28658201). This sequence change has been described in the gnomAD database with a frequency of 0.002% in the overall population (dbSNP rs775006954). The p.Val260Glu amino acid change occurs in a region of the NPHS2 gene where other missense sequence changes have been described in individuals with NPHS2-related disorders. Collectively, this evidence indicates that this sequence change is pathogenic.

Fulgent Genetics
Classification: Pathogenic for Nephrotic syndrome, type 2. Last evaluated: 2024-04-15. Review status: criteria provided, single submitter. Criteria: ACMG Guidelines, 2015. Collection method: clinical testing. Allele origin: germline.

Baylor Genetics
Classification: Pathogenic for Nephrotic syndrome, type 2. Last evaluated: 2024-02-05. Review status: criteria provided, single submitter. Criteria: ACMG Guidelines, 2015. Collection method: clinical testing. Allele origin: unknown.

Revvity Omics, Revvity
Classification: Pathogenic for Nephrotic syndrome, type 2. Last evaluated: 2024-01-11. Review status: criteria provided, single submitter. Criteria: ACMG Guidelines, 2015. Collection method: clinical testing. Allele origin: germline.

Illumina Laboratory Services, Illumina
Classification: Pathogenic for Nephrotic syndrome, type 2. Last evaluated: 2019-07-31. Review status: criteria provided, single submitter. Criteria: ICSLVariantClassificationCriteria RUGD 01 April 2020. Collection method: clinical testing. Allele origin: unknown.
Comment: The NPHS2 c.779T>A (p.Val260Glu) variant is a missense variant that has been reported in at least four studies, in which it is found in at least 23 individuals with steroid-resistant nephrotic syndrome, 20 of whom were unrelated. The variant was found in a homozygous state in at least 19 individuals and in a compound heterozygous state with a frameshift variant in another individual (Machuca et al. 2010; Kari et al. 2013; Guaragna et al. 2015; Asharam et al. 2018). The p.Val260Glu variant was found in a heterozygous state in one of 72 controls and is reported at a frequency of 0.000321 in the African population of the Genome Aggregation Database (Asharam et al. 2018). Functional analysis of the p.Val260Glu variant protein in HEK293 cells demonstrated the variant results in retention of podocin in the endoplasmic reticulum in contrast to localization of the wild type protein at the plasma membrane demonstrating a trafficking defect (Roselli et al. 2004). Based on the presence of the variant in affected individuals, functional evidence supporting gene impact, low allele frequency in public frequency databases, and in silico prediction data, the p.Val260Glu variant is classified as pathogenic for steroid-resistant nephrotic syndrome.

Women's Health and Genetics/Laboratory Corporation of America, LabCorp
Classification: Pathogenic for Idiopathic nephrotic syndrome. Last evaluated: 2017-02-10. Review status: criteria provided, single submitter. Criteria: LabCorp Variant Classification Summary - May 2015. Collection method: clinical testing. Allele origin: germline.
Comment: Variant summary: The NPHS2 c.779T>A (p.Val260Glu) variant involves the alteration of a conserved nucleotide and results in a replacement of a medium size and hydrophobic Valine (V) with a medium size and polar Glutamine (Q) located in the Band 7 domain of the protein(InterPro). 4/4 in silico tools predict a damaging outcome for this substitution (SNPs&GO not captured due to low reliability index). This variant was found in 2/121340 control chromosomes at a frequency of 0.0000165, which does not exceed the estimated maximal expected allele frequency of a pathogenic NPHS2 variant (0.0017678). It was reported in several nephrotic syndrome patients in homozygosity indicating causality. Moreover, in at least one family, the variant co-segregated with the disease in multiple family members further supporting a pathogenic outcome. A functional study demonstrated the variant to impair localization of NPHS2 to the plasma member ant to result accumulation of the variant in ER accumulation. Taken together, this variant is classified as pathogenic.

Athena Diagnostics
Classification: Pathogenic. Last evaluated: 2016-12-13. Review status: criteria provided, single submitter. Criteria: Athena Diagnostics Criteria. Collection method: clinical testing. Allele origin: germline.

Clinical Genetics Service, Universitary Hospital 12 de Octubre
Classification: Pathogenic for Nephrotic syndrome, type 2. Review status: criteria provided, single submitter. Criteria: ACMG Guidelines, 2015. Collection method: clinical testing. Allele origin: germline. Affected: yes.

PreventionGenetics, part of Exact Sciences
Classification: Pathogenic for NPHS2-related condition. Last evaluated: 2024-07-23. Review status: no assertion criteria provided. Collection method: clinical testing. Allele origin: germline. Not counted in ClinVar's aggregate classification.
Comment: The NPHS2 c.779T>A variant is predicted to result in the amino acid substitution p.Val260Glu. This variant has been reported to be pathogenic for steroid-resistant nephrotic syndrome (SRNS) due to retention of the encoded protein (podocin) in the endoplasmic reticulum (see for example, Weber et al. 2004. PubMed ID: 15253708; Roselli et al. 2004. PubMed ID: 14675423; Bérody et al. 2019. PubMed ID: 29474669). This variant is reported in 0.032% of alleles in individuals of African descent in gnomAD. This variant is interpreted as pathogenic.

Counsyl
Classification: Pathogenic for Nephrotic syndrome, type 2. Last evaluated: 2018-12-17. Review status: no assertion criteria provided. Collection method: clinical testing. Allele origin: unknown. Not counted in ClinVar's aggregate classification.

Literature cited by the submitters: PubMed 15253708 (cited by 5 submitters); PubMed 28658201 (cited by 3 submitters); PubMed 14675423 (cited by 5 submitters); PubMed 31754646 (cited by Natera, Inc.); PubMed 26420286 (cited by 4 submitters); PubMed 20507940 (cited by 3 submitters); PubMed 24413855 (cited by Illumina Laboratory Services, Illumina); PubMed 30450462 (cited by Illumina Laboratory Services, Illumina); PubMed 21415313 (cited by Athena Diagnostics); PubMed 20947785 (cited by Athena Diagnostics and Counsyl); PubMed 22565185 (cited by Athena Diagnostics and Counsyl); PubMed 23595123 (cited by Athena Diagnostics and Counsyl); PubMed 25349199 (cited by Athena Diagnostics and Counsyl); PubMed 26594346 (cited by Athena Diagnostics).

NM_014625.4(NPHS2):c.779T>A (p.Val260Glu)

Genes: AXDND1 (axonemal dynein light chain domain containing 1; plus strand), NPHS2 (NPHS2 stomatin family member, podocin; minus strand). Cytogenetic location: 1q25.2.
Variant type: single nucleotide variant.
Coding change: c.779T>A on transcript NM_014625.4 (MANE Select); coding-DNA position 779, T replaced by A.
Protein change: p.Val260Glu; replaces valine 260 with glutamic acid.
Molecular consequence: missense variant. On other transcripts: intron variant (1).
Genome position (GRCh38, 1-based): chr1:179,554,491, A>T on the plus strand (T>A on the coding strand, the complement: NPHS2 is on the minus strand). VCF-style: chr1-179554491-A-T. GRCh37 (hg19) VCF-style: chr1-179523626-A-T.
Other names: c.575T>A, p.Val192Glu (NM_001297575.2); c.3032-21A>T (NM_144696.6); short protein forms V260E, V192E.
Identifiers: ClinVar variation 447882 (VCV000447882.33), dbSNP rs775006954, ClinGen allele CA1267132.